The following is an entry in ClinVar:

ClinVar aggregate classification (germline): Uncertain significance. Review status: criteria provided, multiple submitters, no conflicts (2 of 4 stars). 2 submissions from 2 submitters: Uncertain significance (2). Last evaluated 2024-04-04.

Conditions:
Developmental and epileptic encephalopathy, 18 (DEE18). Also called: Early infantile epileptic encephalopathy 18. Identifiers: Orphanet 369894, MedGen C3809624, MONDO:0014201, OMIM 615476.

gnomAD v4.1: 3 of 1,614,220 alleles (0.00019%); highest among the groups gnomAD compares: Non-Finnish European, 0.00025%; no homozygotes.

Submissions (2):

Genomic Medicine Center of Excellence, King Faisal Specialist Hospital and Research Centre
Classification: Uncertain significance for Developmental and epileptic encephalopathy, 18. Last evaluated: 2024-04-04. Review status: criteria provided, single submitter. Criteria: ACMG Guidelines, 2015. Collection method: clinical testing. Allele origin: germline.

Labcorp Genetics (formerly Invitae), Labcorp
Classification: Uncertain significance. Last evaluated: 2020-12-12. Review status: criteria provided, single submitter. Criteria: Invitae Variant Classification Sherloc (09022015). Collection method: clinical testing. Allele origin: germline.
Comment: This sequence change replaces arginine with tryptophan at codon 2888 of the SZT2 protein (p.Arg2888Trp). The arginine residue is highly conserved and there is a moderate physicochemical difference between arginine and tryptophan. This variant is not present in population databases (ExAC no frequency). In summary, the available evidence is currently insufficient to determine the role of this variant in disease. Therefore, it has been classified as a Variant of Uncertain Significance. Algorithms developed to predict the effect of missense changes on protein structure and function (SIFT, PolyPhen-2, Align-GVGD) all suggest that this variant is likely to be disruptive, but these predictions have not been confirmed by published functional studies and their clinical significance is uncertain. This variant has not been reported in the literature in individuals with SZT2-related conditions.

NM_001365999.1(SZT2):c.8833C>T (p.Arg2945Trp)

Gene: SZT2 (SZT2 subunit of KICSTOR complex; plus strand). Cytogenetic location: 1p34.2.
Variant type: single nucleotide variant.
Coding change: c.8833C>T on transcript NM_001365999.1 (MANE Select); coding-DNA position 8833, C replaced by T.
Protein change: p.Arg2945Trp; replaces arginine 2945 with tryptophan.
Molecular consequence: missense variant.
Genome position (GRCh38, 1-based): chr1:43,445,901, C>T. VCF-style: chr1-43445901-C-T. GRCh37 (hg19) VCF-style: chr1-43911572-C-T.
Other names: c.8662C>T, p.Arg2888Trp (NM_015284.4); short protein forms R2945W, R2888W.
Identifiers: ClinVar variation 1507822 (VCV001507822.7), dbSNP rs2153936507, ClinGen allele CA340041103.